The following is an entry in ClinVar:

NM_004415.4(DSP):c.2214G>A (p.Lys738=)

Gene: DSP (desmoplakin; plus strand). Cytogenetic location: 6p24.3.
Variant type: single nucleotide variant.
Coding change: c.2214G>A on transcript NM_004415.4 (MANE Select); coding-DNA position 2214, G replaced by A.
Protein change: p.Lys738=; no amino-acid change (lysine 738 retained).
Molecular consequence: synonymous variant.
Genome position (GRCh38, 1-based): chr6:7,574,169, G>A. VCF-style: chr6-7574169-G-A. GRCh37 (hg19) VCF-style: chr6-7574402-G-A.
Other names: c.2214G>A, p.Lys738= (NM_001008844.3, NM_001319034.2).
Identifiers: ClinVar variation 3074589 (VCV003074589.4), dbSNP rs2533903597, ClinGen allele CA448526541.

ClinVar aggregate classification (germline): Likely benign. Review status: criteria provided, multiple submitters, no conflicts (2 of 4 stars). 3 submissions from 3 submitters: Likely benign (3). Last evaluated 2024-05-01.

Conditions:
Cardiomyopathy (CMYO). Also called: Cardiomyopathies. Identifiers: Orphanet 167848, MedGen C0878544, MONDO:0004994, HP:0001638. Inheritance: Various modes of inheritance.
Arrhythmogenic right ventricular dysplasia 8 (ARVD8). Also called: ARRHYTHMOGENIC RIGHT VENTRICULAR DYSPLASIA, FAMILIAL, 8; ARRHYTHMOGENIC RIGHT VENTRICULAR CARDIOMYOPATHY 8; Arrhythmogenic Right Ventricular Dysplasia/Cardiomyopathy 8. Identifiers: MedGen C1843896, MONDO:0011831, OMIM 607450.
Arrhythmogenic cardiomyopathy with wooly hair and keratoderma. Also called: PALMOPLANTAR KERATODERMA WITH LEFT VENTRICULAR CARDIOMYOPATHY AND WOOLLY HAIR; Carvajal syndrome; Dilated cardiomyopathy with woolly hair and keratoderma; Arrhythmogenic cardiomyopathy with woolly hair and keratoderma. Identifiers: Orphanet 65282, MedGen C1854063, MONDO:0011581, OMIM 605676.

Allele frequency attached by ClinVar (database versions not stated): gnomAD exomes below 0.00001.
gnomAD v4.1: 1 of 1,614,012 alleles (0.000062%); highest among the groups gnomAD compares: Non-Finnish European, 0.000085%; no homozygotes.

Submissions (3):

Labcorp Genetics (formerly Invitae), Labcorp
Classification: Likely benign for Arrhythmogenic cardiomyopathy with wooly hair and keratoderma; Arrhythmogenic right ventricular dysplasia 8. Last evaluated: 2024-05-01. Review status: criteria provided, single submitter. Criteria: Invitae Variant Classification Sherloc (09022015). Collection method: clinical testing. Allele origin: germline.

All of Us Research Program, National Institutes of Health
Classification: Likely benign for Arrhythmogenic cardiomyopathy with wooly hair and keratoderma. Last evaluated: 2023-11-20. Review status: criteria provided, single submitter. Criteria: ACMG Guidelines, 2015. Collection method: clinical testing. Allele origin: germline. Inheritance: Autosomal dominant inheritance. Observed: 1 variant allele, 1 heterozygote.
Comment: This study involves interpretation of variants in research participants for the purpose of population health screening. Participant phenotype was not available at the time of variant classification. Additional details can be found in publication PMID: 35346344, PMCID: PMC8962531

Color Diagnostics, LLC DBA Color Health
Classification: Likely benign for Cardiomyopathy. Last evaluated: 2023-11-01. Review status: criteria provided, single submitter. Criteria: ACMG Guidelines, 2015. Collection method: clinical testing. Allele origin: germline.